The following is an entry in ClinVar:

ClinVar aggregate classification (germline): Uncertain significance (1 of 4 stars; one submission).

Conditions:
MHC class I deficiency. Identifiers: Orphanet 34592, MedGen C6024714, MONDO:0011476.

gnomAD v4.1: 8 of 1,583,298 alleles (0.00051%); highest among the groups gnomAD compares: Non-Finnish European, 0.00069%; no homozygotes.

Submission:

Labcorp Genetics (formerly Invitae), Labcorp
Classification: Uncertain significance for MHC class I deficiency 1. Last evaluated: 2022-06-02. Review status: criteria provided, single submitter. Criteria: Invitae Variant Classification Sherloc (09022015). Collection method: clinical testing. Allele origin: germline.
Comment: This variant has not been reported in the literature in individuals affected with TAP1-related conditions. In summary, the available evidence is currently insufficient to determine the role of this variant in disease. Therefore, it has been classified as a Variant of Uncertain Significance. Algorithms developed to predict the effect of missense changes on protein structure and function (SIFT, PolyPhen-2, Align-GVGD) all suggest that this variant is likely to be tolerated. This variant is not present in population databases (gnomAD no frequency). This sequence change replaces alanine, which is neutral and non-polar, with serine, which is neutral and polar, at codon 160 of the TAP1 protein (p.Ala160Ser).

NM_000593.6(TAP1):c.298G>T (p.Ala100Ser)

Gene: TAP1 (transporter 1, ATP binding cassette subfamily B member; minus strand). Cytogenetic location: 6p21.32.
Variant type: single nucleotide variant.
Coding change: c.298G>T on transcript NM_000593.6 (MANE Select); coding-DNA position 298, G replaced by T.
Protein change: p.Ala100Ser; replaces alanine 100 with serine.
Molecular consequence: missense variant.
Genome position (GRCh38, 1-based): chr6:32,853,339, C>A on the plus strand (G>T on the coding strand, the complement: TAP1 is on the minus strand). VCF-style: chr6-32853339-C-A. GRCh37 (hg19) VCF-style: chr6-32821116-C-A.
Other names: short protein forms A100S.
Identifiers: ClinVar variation 1945284 (VCV001945284.4), dbSNP rs1187736975, ClinGen allele CA363582578.
Genomic context (GRCh38, chr6:32,853,339, plus strand): 5'-CCCATGAGATCAGCTCTCGGAACAAGGCAAGTCCCGGCAGGGCCAAGCCCAGTGCCGCAG[C>A]TAATGGCTTCAAAGCAGCCAGCCAGCCCTGGGCACCTGCGTTTTCGCTCTTGGAGCCAAC-3'
Protein context (NP_000584.3, residues 90-110): QGWLAALKPL[Ala100Ser]AALGLALPGL